The following is an entry in ClinVar:

NM_152703.5(SAMD9L):c.3805G>C (p.Asp1269His)

Gene: SAMD9L (sterile alpha motif domain containing 9 like; minus strand). Cytogenetic location: 7q21.2.
Variant type: single nucleotide variant.
Coding change: c.3805G>C on transcript NM_152703.5 (MANE Select); coding-DNA position 3805, G replaced by C.
Protein change: p.Asp1269His; replaces aspartic acid 1269 with histidine.
Molecular consequence: missense variant.
Genome position (GRCh38, 1-based): chr7:93,132,167, C>G on the plus strand (G>C on the coding strand, the complement: SAMD9L is on the minus strand). VCF-style: chr7-93132167-C-G. GRCh37 (hg19) VCF-style: chr7-92761480-C-G.
Other names: c.3805G>C, p.Asp1269His (NM_001303496.3, NM_001303497.3, NM_001303498.3 and 5 more transcripts); short protein forms D1269H.
Identifiers: ClinVar variation 4844826 (VCV004844826.1).

ClinVar aggregate classification (germline): Uncertain significance (1 of 4 stars; one submission).

Conditions:
Inborn genetic diseases. Identifiers: MedGen C0950123, MeSH D030342.

Submission:

Ambry Genetics
Classification: Uncertain significance for Inborn genetic diseases. Last evaluated: 2026-02-14. Review status: criteria provided, single submitter. Criteria: Ambry Variant Classification Scheme 2023. Collection method: clinical testing. Allele origin: germline.
Comment: The p.D1269H variant (also known as c.3805G>C), located in coding exon 1 of the SAMD9L gene, results from a G to C substitution at nucleotide position 3805. The aspartic acid at codon 1269 is replaced by histidine, an amino acid with similar properties. This amino acid position is conserved. In addition, this alteration is predicted to be tolerated by in silico analysis. Based on the available evidence, the clinical significance of this variant remains unclear.